The following is an entry in ClinVar:

ClinVar aggregate classification (germline): Uncertain significance. Review status: criteria provided, multiple submitters, no conflicts (2 of 4 stars). 4 submissions from 4 submitters: Uncertain significance (4). Last evaluated 2025-04-13.

Conditions:
Inborn genetic diseases. Identifiers: MedGen C0950123, MeSH D030342.
PDE6C-related disorder. Also called: PDE6C-related condition.

Allele frequency attached by ClinVar (database versions not stated): gnomAD exomes below 0.00001 and 0.00001; TOPMed 0.00001.
gnomAD v4.1: 3 of 1,602,182 alleles (0.00019%); highest among the groups gnomAD compares: African/African-American, 0.0013%; no homozygotes.

Submissions (4):

Ambry Genetics
Classification: Uncertain significance for Inborn genetic diseases. Last evaluated: 2025-04-13. Review status: criteria provided, single submitter. Criteria: Ambry Variant Classification Scheme 2023. Collection method: clinical testing. Allele origin: germline.

PreventionGenetics, part of Exact Sciences
Classification: Uncertain significance for PDE6C-related condition. Last evaluated: 2025-03-12. Review status: criteria provided, single submitter. Criteria: ACMG Guidelines, 2015. Collection method: clinical testing. Allele origin: germline.
Comment: The PDE6C c.1832A>G variant is predicted to result in the amino acid substitution p.Asn611Ser. To our knowledge, this variant has not been reported in the literature. This variant is present in 0.0062% of alleles in individuals of African descent in gnomAD. At this time, the clinical significance of this variant is uncertain due to the absence of conclusive functional and genetic evidence.

Labcorp Genetics (formerly Invitae), Labcorp
Classification: Uncertain significance. Last evaluated: 2022-10-25. Review status: criteria provided, single submitter. Criteria: Invitae Variant Classification Sherloc (09022015). Collection method: clinical testing. Allele origin: germline.
Comment: This sequence change replaces asparagine, which is neutral and polar, with serine, which is neutral and polar, at codon 611 of the PDE6C protein (p.Asn611Ser). This variant is present in population databases (no rsID available, gnomAD 0.007%). This variant has not been reported in the literature in individuals affected with PDE6C-related conditions. ClinVar contains an entry for this variant (Variation ID: 850475). Advanced modeling of protein sequence and biophysical properties (such as structural, functional, and spatial information, amino acid conservation, physicochemical variation, residue mobility, and thermodynamic stability) performed at Invitae indicates that this missense variant is expected to disrupt PDE6C protein function. In summary, the available evidence is currently insufficient to determine the role of this variant in disease. Therefore, it has been classified as a Variant of Uncertain Significance.

Blueprint Genetics
Classification: Uncertain significance. Last evaluated: 2022-06-21. Review status: criteria provided, single submitter. Criteria: ACMG Guidelines, 2015. Collection method: clinical testing. Allele origin: germline.

NM_006204.4(PDE6C):c.1832A>G (p.Asn611Ser)

Gene: PDE6C (phosphodiesterase 6C; plus strand). Cytogenetic location: 10q23.33.
Variant type: single nucleotide variant.
Coding change: c.1832A>G on transcript NM_006204.4 (MANE Select); coding-DNA position 1832, A replaced by G.
Protein change: p.Asn611Ser; replaces asparagine 611 with serine.
Molecular consequence: missense variant.
Genome position (GRCh38, 1-based): chr10:93,641,014, A>G. VCF-style: chr10-93641014-A-G. GRCh37 (hg19) VCF-style: chr10-95400771-A-G.
Other names: short protein forms N611S.
Identifiers: ClinVar variation 850475 (VCV000850475.11), dbSNP rs942671862, ClinGen allele CA211540678.